The following is an entry in ClinVar:

NM_207352.4(CYP4V2):c.1061A>C (p.Lys354Thr)

Gene: CYP4V2 (cytochrome P450 family 4 subfamily V member 2; plus strand). Cytogenetic location: 4q35.2.
Variant type: single nucleotide variant.
Coding change: c.1061A>C on transcript NM_207352.4 (MANE Select); coding-DNA position 1061, A replaced by C.
Protein change: p.Lys354Thr; replaces lysine 354 with threonine.
Molecular consequence: missense variant.
Genome position (GRCh38, 1-based): chr4:186,205,273, A>C. VCF-style: chr4-186205273-A-C. GRCh37 (hg19) VCF-style: chr4-187126427-A-C.
Other names: c.1061A>C (NM_207352.3); short protein forms K354T.
Identifiers: ClinVar variation 1518532 (VCV001518532.7), dbSNP rs1216129990, ClinGen allele CA358949437.

ClinVar aggregate classification (germline): Uncertain significance. Review status: criteria provided, multiple submitters, no conflicts (2 of 4 stars). 2 submissions from 2 submitters: Uncertain significance (2). Last evaluated 2025-06-24.

Conditions:
Inborn genetic diseases. Identifiers: MedGen C0950123, MeSH D030342.

Submissions (2):

Ambry Genetics
Classification: Uncertain significance for Inborn genetic diseases. Last evaluated: 2025-06-24. Review status: criteria provided, single submitter. Criteria: Ambry Variant Classification Scheme 2023. Collection method: clinical testing. Allele origin: germline.

Labcorp Genetics (formerly Invitae), Labcorp
Classification: Uncertain significance. Last evaluated: 2021-09-21. Review status: criteria provided, single submitter. Criteria: Invitae Variant Classification Sherloc (09022015). Collection method: clinical testing. Allele origin: germline.
Comment: This sequence change replaces lysine with threonine at codon 354 of the CYP4V2 protein (p.Lys354Thr). The lysine residue is moderately conserved and there is a moderate physicochemical difference between lysine and threonine. This variant is not present in population databases (ExAC no frequency). In summary, the available evidence is currently insufficient to determine the role of this variant in disease. Therefore, it has been classified as a Variant of Uncertain Significance. Advanced modeling of protein sequence and biophysical properties (such as structural, functional, and spatial information, amino acid conservation, physicochemical variation, residue mobility, and thermodynamic stability) performed at Invitae indicates that this missense variant is not expected to disrupt CYP4V2 protein function. This variant has not been reported in the literature in individuals affected with CYP4V2-related conditions.